The following is an entry in ClinVar:

ClinVar aggregate classification (germline): Uncertain significance (1 of 4 stars; one submission).

Allele frequency attached by ClinVar (database versions not stated): gnomAD exomes below 0.00001 and 0.00001; TOPMed below 0.00001.
gnomAD v4.1: 16 of 1,613,320 alleles (0.00099%); highest among the groups gnomAD compares: Non-Finnish European, 0.0014%; no homozygotes.

Submission:

Labcorp Genetics (formerly Invitae), Labcorp
Classification: Uncertain significance. Last evaluated: 2023-10-13. Review status: criteria provided, single submitter. Criteria: Invitae Variant Classification Sherloc (09022015). Collection method: clinical testing. Allele origin: germline.
Comment: This sequence change replaces glutamic acid, which is acidic and polar, with lysine, which is basic and polar, at codon 506 of the TONSL protein (p.Glu506Lys). This variant is present in population databases (no rsID available, gnomAD 0.0009%). This variant has not been reported in the literature in individuals affected with TONSL-related conditions. ClinVar contains an entry for this variant (Variation ID: 1399425). An algorithm developed to predict the effect of missense changes on protein structure and function (PolyPhen-2) suggests that this variant is likely to be tolerated. In summary, the available evidence is currently insufficient to determine the role of this variant in disease. Therefore, it has been classified as a Variant of Uncertain Significance.

NM_013432.5(TONSL):c.1516G>A (p.Glu506Lys)

Genes: TONSL (tonsoku like, DNA repair protein; minus strand), TONSL-AS1 (TONSL antisense RNA 1; plus strand). Cytogenetic location: 8q24.3.
Variant type: single nucleotide variant.
Coding change: c.1516G>A on transcript NM_013432.5 (MANE Select); coding-DNA position 1516, G replaced by A.
Protein change: p.Glu506Lys; replaces glutamic acid 506 with lysine.
Molecular consequence: missense variant. On other transcripts: non-coding transcript variant (1).
Genome position (GRCh38, 1-based): chr8:144,438,700, C>T on the plus strand (G>A on the coding strand, the complement: TONSL is on the minus strand). VCF-style: chr8-144438700-C-T. GRCh37 (hg19) VCF-style: chr8-145664083-C-T.
Other names: short protein forms E506K.
Identifiers: ClinVar variation 1399425 (VCV001399425.6), dbSNP rs1221264083, ClinGen allele CA372665002.